The following is an entry in ClinVar:

ClinVar aggregate classification (germline): Uncertain significance (1 of 4 stars; one submission).

Conditions:
Malignant hyperthermia, susceptibility to, 1 (MHS1). Also called: RYR1-Related Malignant Hyperthermia Susceptibility; Malignant hyperthermia suceptibility 1; Anesthesia related hyperthermia; Malignant hyperpyrexia; Fulminating hyperpyrexia; Pharmacogenic myopathy. Identifiers: Orphanet 423, MedGen C2930980, MONDO:0007783, OMIM 145600.

gnomAD v4.1: 1 of 1,614,224 alleles (0.000062%); highest among the groups gnomAD compares: Non-Finnish European, 0.000085%; no homozygotes.

Submission:

Color Diagnostics, LLC DBA Color Health
Classification: Uncertain significance for Malignant hyperthermia, susceptibility to, 1. Last evaluated: 2025-06-23. Review status: criteria provided, single submitter. Criteria: ACMG Guidelines, 2015. Collection method: clinical testing. Allele origin: germline.
Comment: This missense variant replaces lysine with arginine at codon 4059 of the RYR1 protein. Computational prediction suggests that this variant may not impact protein structure and function. To our knowledge, functional studies have not been reported for this variant. This variant has not been reported in individuals affected with RYR1-related disorders in the literature. This variant has not been identified in the general population by the Genome Aggregation Database (gnomAD). The available evidence is insufficient to determine the role of this variant in disease conclusively. Therefore, this variant is classified as a Variant of Uncertain Significance.

NM_000540.3(RYR1):c.12176A>G (p.Lys4059Arg)

Gene: RYR1 (ryanodine receptor 1; plus strand). Cytogenetic location: 19q13.2.
Variant type: single nucleotide variant.
Coding change: c.12176A>G on transcript NM_000540.3 (MANE Select); coding-DNA position 12176, A replaced by G.
Protein change: p.Lys4059Arg; replaces lysine 4059 with arginine.
Molecular consequence: missense variant.
Genome position (GRCh38, 1-based): chr19:38,548,314, A>G. VCF-style: chr19-38548314-A-G. GRCh37 (hg19) VCF-style: chr19-39038954-A-G.
Other names: c.12161A>G, p.Lys4054Arg (NM_001042723.2); short protein forms K4054R, K4059R.
Identifiers: ClinVar variation 4756846 (VCV004756846.1).